The following is an entry in ClinVar:

ClinVar aggregate classification (germline): Conflicting classifications of pathogenicity. Review status: criteria provided, conflicting classifications (1 of 4 stars). 3 submissions from 3 submitters: Uncertain significance (2); Likely benign (1). Last evaluated 2025-12-23.

Conditions:
Infantile myofibromatosis (IMF). Also called: Congenital generalized fibromatosis. Identifiers: Orphanet 2591, MedGen C0432284, MONDO:0016824.
Skeletal overgrowth-craniofacial dysmorphism-hyperelastic skin-white matter lesions syndrome. Also called: SKELETAL OVERGROWTH WITH FACIAL DYSMORPHISM, HYPERELASTIC SKIN, WHITE MATTER LESIONS, AND NEUROLOGIC DETERIORATION; Kosaki overgrowth syndrome. Identifiers: Orphanet 477831, MedGen C4225270, MONDO:0014704, OMIM 616592.
Acroosteolysis-keloid-like lesions-premature aging syndrome. Also called: Premature aging syndrome, Penttinen type; Prematurely aged appearance, delayed bone maturation, acro-osteolysis, and brachydactyly; Progeroid syndrome, Penttinen type. Identifiers: Orphanet 363665, MedGen C1866182, MONDO:0011150, OMIM 601812.
Basal ganglia calcification, idiopathic, 4 (PFBC4). Also called: Familial Idiopathic Basal Ganglia Calcification 4; PRIMARY FAMILIAL BRAIN CALCIFICATION 4, AUTOSOMAL DOMINANT. Identifiers: Orphanet 1980, MedGen C3554321, MONDO:0014004, OMIM 615007.
Myofibromatosis, infantile, 1. Also called: Myofibromatosis, juvenile. Identifiers: Orphanet 2591, MedGen C4551572, MONDO:0009227, OMIM 228550.
Inborn genetic diseases. Identifiers: MedGen C0950123, MeSH D030342.

Allele frequency attached by ClinVar (database versions not stated): gnomAD 0.00003; ExAC 0.00002.
gnomAD v4.1: 21 of 1,613,816 alleles (0.0013%); highest among the groups gnomAD compares: Admixed American, 0.005%; no homozygotes.

Submissions (3):

Clinical Genomics Laboratory, Washington University in St. Louis
Classification: Uncertain significance for Skeletal overgrowth-craniofacial dysmorphism-hyperelastic skin-white matter lesions syndrome; Myofibromatosis, infantile, 1. Last evaluated: 2025-12-23. Review status: criteria provided, single submitter. Criteria: ACMG Guidelines, 2015. Collection method: clinical testing. Allele origin: germline.
Comment: A PDGFRB c.2122C>T (p.Arg708Cys) variant was identified at a near heterozygous allelic fraction of 48.8%, a frequency which may be consistent with it being of germline origin. This variant, to our knowledge, has not been reported in the medical literature but has been reported in the ClinVar database as a germline variant of uncertain significance by one submitter and likely benign by one submitter (ClinVar variation ID: 1961685). It is only observed on 21/1,613,816 alleles in the general population (gnomAD v4.1.0), indicating it is not a common variant. Computational predictors are uncertain as to the impact of this variant on PDGFRB function. Due to conflicting information, and based on ACMG/AMP guidelines for variant interpretation (Richards S et al., PMID: 25741868), the clinical significance of this variant is uncertain at this time.

Labcorp Genetics (formerly Invitae), Labcorp
Classification: Likely benign for Basal ganglia calcification, idiopathic, 4; Skeletal overgrowth-craniofacial dysmorphism-hyperelastic skin-white matter lesions syndrome; Infantile myofibromatosis; Acroosteolysis-keloid-like lesions-premature aging syndrome. Last evaluated: 2025-10-13. Review status: criteria provided, single submitter. Criteria: Invitae Variant Classification Sherloc (09022015). Collection method: clinical testing. Allele origin: germline.

Ambry Genetics
Classification: Uncertain significance for Inborn genetic diseases. Last evaluated: 2024-08-15. Review status: criteria provided, single submitter. Criteria: Ambry Variant Classification Scheme 2023. Collection method: clinical testing. Allele origin: germline.

Literature cited by the submitters: uncertain (cited by Clinical Genomics Laboratory, Washington University in St. Louis).

NM_002609.4(PDGFRB):c.2122C>T (p.Arg708Cys)

Gene: PDGFRB (platelet derived growth factor receptor beta; minus strand). Cytogenetic location: 5q32.
Variant type: single nucleotide variant.
Coding change: c.2122C>T on transcript NM_002609.4 (MANE Select); coding-DNA position 2122, C replaced by T.
Protein change: p.Arg708Cys; replaces arginine 708 with cysteine.
Molecular consequence: missense variant.
Genome position (GRCh38, 1-based): chr5:150,123,103, G>A on the plus strand (C>T on the coding strand, the complement: PDGFRB is on the minus strand). VCF-style: chr5-150123103-G-A. GRCh37 (hg19) VCF-style: chr5-149502666-G-A.
Other names: c.1930C>T, p.Arg644Cys (NM_001355016.2); c.1639C>T, p.Arg547Cys (NM_001355017.2); c.2122C>T (NM_002609.3); short protein forms R708C, R547C, R644C.
Identifiers: ClinVar variation 1961685 (VCV001961685.7), dbSNP rs749226501, ClinGen allele CA3507749.